The following is an entry in ClinVar:

NM_014319.5(LEMD3):c.2147G>A (p.Trp716Ter)

Gene: LEMD3 (LEM domain containing 3; plus strand). Cytogenetic location: 12q14.3.
Variant type: single nucleotide variant.
Coding change: c.2147G>A on transcript NM_014319.5 (MANE Select); coding-DNA position 2147, G replaced by A.
Protein change: p.Trp716Ter; replaces tryptophan 716 with a stop codon.
Molecular consequence: nonsense.
Genome position (GRCh38, 1-based): chr12:65,240,929, G>A. VCF-style: chr12-65240929-G-A. GRCh37 (hg19) VCF-style: chr12-65634709-G-A.
Other names: c.2144G>A, p.Trp715Ter (NM_001167614.2); short protein forms W715*, W716*.
Identifiers: ClinVar variation 4886947 (VCV004886947.1).

ClinVar aggregate classification (germline): Pathogenic (1 of 4 stars; one submission).

Conditions:
Dermatofibrosis lenticularis disseminata (BOS). Also called: DERMATOFIBROSIS LENTICULARIS DISSEMINATA WITH OSTEOPOIKILOSIS; DERMATOOSTEOPOIKILOSIS; OSTEOPATHIA CONDENSANS DISSEMINATA. Identifiers: Orphanet 1306, MedGen C0265514, MONDO:0008157, OMIM 166700.

Submission:

Plataforma de Genómica Funcional - SJD, Institut De Recerca Sant Joan De Déu
Classification: Pathogenic for Dermatofibrosis lenticularis disseminata. Last evaluated: 2026-08-07. Review status: criteria provided, single submitter. Criteria: ACMG Guidelines, 2015. Collection method: research. Allele origin: paternal. Inheritance: Autosomal dominant inheritance. Affected: yes.
Comment: The c.2147G>A variant (NM_014319.5) in LEMD3 is a nonsense variant predicted to generate a a premature stop codon (p.Trp716*) and is expected to result in a truncated or absent protein product. It is predicted to undergo NMD (PVS1). This variant is absent from population databases (gnomAD v2.1; PM2_supporting). This variant has been identified in a 3 members of a family with subcutaneous nevi or nodules compatibles with Buschke-Ollendorff syndrome (Internal lab contributor). In summary, this variant meets the criteria to be classified as Pathogenic based on the ACMG/AMP criteria applied (PVS1, PM2_Supporting, PP1)